The following is an entry in ClinVar:

ClinVar aggregate classification (germline): Benign. Review status: criteria provided, multiple submitters, no conflicts (2 of 4 stars). 2 submissions from 2 submitters: Benign (2). Last evaluated 2018-01-12.

Conditions:
Paroxysmal nonkinesigenic dyskinesia 1 (PNKD1). Also called: Nonkinesigenic choreoathetosis; Familial paroxysmal choreoathetosis; DYSTONIA 8; Familial Paroxysmal Nonkinesigenic Dyskinesia; MOUNT-REBACK SYNDROME; PxMD-PNKD. Identifiers: Orphanet 98810, MedGen C4551506, MONDO:0700089, OMIM 118800, MONDO:0007326.

Allele frequency attached by ClinVar (database versions not stated): TOPMed 0.04102; gnomAD 0.04131 and 0.04654; gnomAD exomes 0.06183; 1000 Genomes Project 30x 0.08042; 1000 Genomes Project 0.08267.
gnomAD v4.1: 7,088 of 152,626 alleles (4.6%); highest among the groups gnomAD compares: East Asian, 16%; 299 homozygotes.

Submissions (2):

Illumina Laboratory Services, Illumina
Classification: Benign for Paroxysmal nonkinesigenic dyskinesia 1. Last evaluated: 2018-01-12. Review status: criteria provided, single submitter. Criteria: ICSL Variant Classification Criteria 13 December 2019. Collection method: clinical testing. Allele origin: germline.
Comment: This variant was observed in the ICSL laboratory as part of a predisposition screen in an ostensibly healthy population. It had not been previously curated by ICSL or reported in the Human Gene Mutation Database (HGMD: prior to June 1st, 2018), and was therefore a candidate for classification through an automated scoring system. Utilizing variant allele frequency, disease prevalence and penetrance estimates, and inheritance mode, an automated score was calculated to assess if this variant is too frequent to cause the disease. Based on the score and internal cut-off values, a variant classified as benign is not then subjected to further curation. The score for this variant resulted in a classification of benign for this disease.

Breakthrough Genomics
Classification: Benign. Review status: criteria provided, single submitter. Criteria: ACMG Guidelines, 2015. Collection method: not provided. Allele origin: germline. Inheritance: Autosomal dominant inheritance. Affected: yes.

NM_015488.5(PNKD):c.*1193C>T

Genes: CATIP-AS2 (CATIP antisense RNA 2; minus strand), PNKD (PNKD metallo-beta-lactamase domain containing; plus strand). Cytogenetic location: 2q35.
Variant type: single nucleotide variant.
Coding change: c.*1193C>T on transcript NM_015488.5 (MANE Select); 1193 bases downstream of the stop codon, C replaced by T.
Molecular consequence: 3 prime UTR variant.
Genome position (GRCh38, 1-based): chr2:218,346,174, C>T. VCF-style: chr2-218346174-C-T. GRCh37 (hg19) VCF-style: chr2-219210897-C-T.
Other names: c.*1193C>T (NM_022572.5).
Identifiers: ClinVar variation 334349 (VCV000334349.6), dbSNP rs76752438, ClinGen allele CA10612814.
Genomic context (GRCh38, chr2:218,346,174, plus strand): 5'-CCAGACCTGGCCCGACCCCTCTGCTTCACCTCCAGCTCTGCTGCTCCTCTACTCTTGGGT[C>T]GAGATCCCTTTGGAGCCACAGCGAGGAACCCTGTGGTCCTCAGGCAGGTGTACCTTGAGT-3'